The following is an entry in ClinVar:

NM_139215.3(TAF15):c.1184G>A (p.Arg395Gln)

Gene: TAF15 (TATA-box binding protein associated factor 15; plus strand). Cytogenetic location: 17q12.
Variant type: single nucleotide variant.
Coding change: c.1184G>A on transcript NM_139215.3 (MANE Select); coding-DNA position 1184, G replaced by A.
Protein change: p.Arg395Gln; replaces arginine 395 with glutamine.
Molecular consequence: missense variant.
Genome position (GRCh38, 1-based): chr17:35,844,483, G>A. VCF-style: chr17-35844483-G-A. GRCh37 (hg19) VCF-style: chr17-34171487-G-A.
Other names: NC_000017.10:g.34171487G>A; c.1175G>A, p.Arg392Gln (NM_003487.4); short protein forms R392Q, R395Q.
Identifiers: ClinVar variation 2629078 (VCV002629078.4), dbSNP rs71381481, ClinGen allele CA290041088.

ClinVar aggregate classification (germline): Uncertain significance. Review status: criteria provided, multiple submitters, no conflicts (2 of 4 stars). 2 submissions from 2 submitters: Uncertain significance (2). Last evaluated 2024-12-11.

Conditions:
TAF15-related disorder. Also called: TAF15-related condition.

Allele frequency attached by ClinVar (database versions not stated): TOPMed 0.00009; ExAC 0.00010; gnomAD 0.00011; ESP Exome Variant Server 0.00015; 1000 Genomes Project 0.00040; 1000 Genomes Project 30x 0.00047.
gnomAD v4.1: 87 of 1,613,480 alleles (0.0054%); highest among the groups gnomAD compares: African/African-American, 0.027%; no homozygotes.

Submissions (3):

PreventionGenetics, part of Exact Sciences
Classification: Uncertain significance for TAF15-related condition. Last evaluated: 2024-12-11. Review status: criteria provided, single submitter. Criteria: ACMG Guidelines, 2015. Collection method: clinical testing. Allele origin: germline.
Comment: The TAF15 c.1184G>A variant is predicted to result in the amino acid substitution p.Arg395Gln. This variant has been reported in two individuals with amyotrophic lateral sclerosis (ALS, Ticozzi et al. 2011. PubMed ID: 21438137); however, no additional studies were conducted to confirm pathogenicity. This variant is reported in 0.033% of alleles in individuals of African descent in gnomAD. Although we suspect that this variant may be benign, at this time, the clinical significance of this variant is uncertain due to the absence of conclusive functional and genetic evidence.

GeneDx
Classification: Uncertain significance. Last evaluated: 2024-05-31. Review status: criteria provided, single submitter. Criteria: GeneDx Variant Classification Process June 2021. Collection method: clinical testing. Allele origin: germline. Affected: yes.
Comment: In silico analysis supports that this missense variant has a deleterious effect on protein structure/function; This variant is associated with the following publications: (PMID: 23447461, 21438137)

Dr. Peter K. Rogan Lab, Western University
No classification provided (evidence only). Condition: Lung cancer. Review status: no classification provided. Collection method: in vitro. Allele origin: not applicable. Functional consequence: retained intron. Not counted in ClinVar's aggregate classification.